The following is an entry in ClinVar:

ClinVar aggregate classification (germline): Conflicting classifications of pathogenicity. Review status: criteria provided, conflicting classifications (1 of 4 stars). 6 submissions from 6 submitters: Pathogenic (1); Likely pathogenic (3); Uncertain significance (2). Last evaluated 2026-08-28.

Conditions:
Primary ciliary dyskinesia. Also called: Ciliary dyskinesia. Identifiers: Orphanet 244, MedGen C0008780, MONDO:0016575, HP:0012265.
DNAH5-related disorder. Also called: DNAH5-related condition.
Primary ciliary dyskinesia 3. Identifiers: Orphanet 244, MedGen C1837618, MONDO:0012085, OMIM 608644.

Allele frequency attached by ClinVar (database versions not stated): ExAC 0.00002; gnomAD 0.00003; TOPMed 0.00003; gnomAD exomes 0.00004.

Submissions (6):

GeneDx
Classification: Uncertain significance. Last evaluated: 2026-08-28. Review status: criteria provided, single submitter. Criteria: GeneDx Variant Classification Process June 2021. Collection method: clinical testing. Allele origin: germline.
Comment: Nonsense variant predicted to result in protein truncation or nonsense mediated decay in a gene for which loss of function is a known mechanism of disease; Has not been previously reported as pathogenic or benign in association with DNAH5-related disorders to our knowledge; This variant is associated with the following publications: (PMID: 35314707)

Natera, Inc.
Classification: Likely pathogenic for Primary ciliary dyskinesia. Last evaluated: 2025-11-12. Review status: criteria provided, single submitter. Criteria: Natera Variant Classification Schema (03/2026). Collection method: clinical testing. Allele origin: germline.
Comment: The c.46C>T variant in DNAH5 is a nonsense variant predicted to introduce a stop codon at amino acid 16. This variant is expected to result in nonsense mediated decay, truncation, or a dysfunctional protein product. This variant is rare in the general population with a frequency below the threshold expected for the associated phenotype(s). Given the available evidence, this variant is classified as Likely Pathogenic.

Labcorp Genetics (formerly Invitae), Labcorp
Classification: Pathogenic for Primary ciliary dyskinesia. Last evaluated: 2025-10-21. Review status: criteria provided, single submitter. Criteria: Invitae Variant Classification Sherloc (09022015). Collection method: clinical testing. Allele origin: germline.
Comment: This sequence change creates a premature translational stop signal (p.Arg16*) in the DNAH5 gene. It is expected to result in an absent or disrupted protein product. Loss-of-function variants in DNAH5 are known to be pathogenic (PMID: 11788826, 16627867). This variant is present in population databases (rs772230378, gnomAD 0.02%). This variant has not been reported in the literature in individuals affected with DNAH5-related conditions. ClinVar contains an entry for this variant (Variation ID: 654540). For these reasons, this variant has been classified as Pathogenic.

PreventionGenetics, part of Exact Sciences
Classification: Likely pathogenic for DNAH5-related condition. Last evaluated: 2025-03-14. Review status: criteria provided, single submitter. Criteria: ACMG Guidelines, 2015. Collection method: clinical testing. Allele origin: germline.
Comment: The DNAH5 c.46C>T variant is predicted to result in premature protein termination (p.Arg16*). To our knowledge, this variant has not been reported in the literature in individuals with DNAH5-related disease. This variant is reported in 0.020% of alleles in individuals of Latino descent in gnomAD. Nonsense variants in DNAH5 are expected to be pathogenic. This variant is interpreted as likely pathogenic.

Fulgent Genetics
Classification: Likely pathogenic for Primary ciliary dyskinesia 3. Last evaluated: 2024-06-17. Review status: criteria provided, single submitter. Criteria: ACMG Guidelines, 2015. Collection method: clinical testing. Allele origin: germline.

Ambry Genetics
Classification: Uncertain significance for Primary ciliary dyskinesia. Last evaluated: 2019-07-24. Review status: criteria provided, single submitter. Criteria: Ambry Variant Classification Scheme 2023. Collection method: clinical testing. Allele origin: germline.
Comment: The p.R16* variant (also known as c.46C>T), located in coding exon 1 of the DNAH5 gene, results from a C to T substitution at nucleotide position 46. This changes the amino acid from an arginine to a stop codon within coding exon 1. This alteration is expected to result in loss of function by premature protein truncation or nonsense-mediated mRNA decay; however, no pathogenic variants have been reported in coding exon 1 or prior to codon 78 in coding exon 2. The region up to codon 78 does not impact any known functional domains. Based on available evidence to date, the clinical significance of this alteration remains unclear.

Literature cited by the submitters: PubMed 11788826 (cited by Labcorp Genetics (formerly Invitae), Labcorp); PubMed 16627867 (cited by Labcorp Genetics (formerly Invitae), Labcorp).

NM_001369.3(DNAH5):c.46C>T (p.Arg16Ter)

Gene: DNAH5 (dynein axonemal heavy chain 5; minus strand). Cytogenetic location: 5p15.2.
Variant type: single nucleotide variant.
Coding change: c.46C>T on transcript NM_001369.3 (MANE Select); coding-DNA position 46, C replaced by T.
Protein change: p.Arg16Ter; replaces arginine 16 with a stop codon.
Molecular consequence: nonsense.
Genome position (GRCh38, 1-based): chr5:13,944,393, G>A on the plus strand (C>T on the coding strand, the complement: DNAH5 is on the minus strand). VCF-style: chr5-13944393-G-A. GRCh37 (hg19) VCF-style: chr5-13944502-G-A.
Other names: short protein forms R16*.
Identifiers: ClinVar variation 654540 (VCV000654540.18), dbSNP rs772230378, ClinGen allele CA3205308.